The following is an entry in ClinVar:

NM_014391.3(ANKRD1):c.821A>G (p.Tyr274Cys)

Gene: ANKRD1 (ankyrin repeat domain 1; minus strand). Cytogenetic location: 10q23.31.
Variant type: single nucleotide variant.
Coding change: c.821A>G on transcript NM_014391.3 (MANE Select); coding-DNA position 821, A replaced by G.
Protein change: p.Tyr274Cys; replaces tyrosine 274 with cysteine.
Molecular consequence: missense variant.
Genome position (GRCh38, 1-based): chr10:90,915,571, T>C on the plus strand (A>G on the coding strand, the complement: ANKRD1 is on the minus strand). VCF-style: chr10-90915571-T-C. GRCh37 (hg19) VCF-style: chr10-92675328-T-C.
Other names: short protein forms Y274C.
Identifiers: ClinVar variation 191602 (VCV000191602.18), dbSNP rs374486076, ClinGen allele CA237031.
Genomic context (GRCh38, chr10:90,915,571, plus strand): 5'-TGCAAGCGGTGTTTCTTGTTTCCAGTACTTACACAGTTCTTGATGTTGAGATCCGCGCCA[T>C]ACATAATCAGGAGTCGGATCATCTTATAGCGGTTCAGTCTCACCGCATCATGCAACGGGG-3'
Protein context (NP_055206.2, residues 264-284): RYKMIRLLIM[Tyr274Cys]GADLNIKNCA

ClinVar aggregate classification (germline): Uncertain significance. Review status: criteria provided, multiple submitters, no conflicts (2 of 4 stars). 6 submissions from 6 submitters: Uncertain significance (6). Last evaluated 2025-10-27.

Conditions:
ANKRD1-related disorder. Also called: ANKRD1-related condition.
Cardiovascular phenotype. Identifiers: MedGen CN230736.
ANKRD1-related dilated cardiomyopathy. Identifiers: MedGen CN119551.
Primary dilated cardiomyopathy (DCM). Also called: Dilated Cardiomyopathy. Identifiers: Orphanet 217604, MedGen C0007193, MeSH D002311, MONDO:0005021, HP:0001644. Inheritance: Various modes of inheritance.

Allele frequency attached by ClinVar (database versions not stated): ExAC 0.00002; gnomAD exomes 0.00002; TOPMed 0.00002; gnomAD 0.00004; ESP Exome Variant Server 0.00008.
gnomAD v4.1: 42 of 1,613,748 alleles (0.0026%); highest among the groups gnomAD compares: African/African-American, 0.004%; no homozygotes.

Submissions (6):

GeneDx
Classification: Uncertain significance. Last evaluated: 2025-10-27. Review status: criteria provided, single submitter. Criteria: GeneDx Variant Classification Process June 2021. Collection method: clinical testing. Allele origin: germline.
Comment: Has not been previously published as pathogenic or benign to our knowledge; In silico analysis supports that this missense variant has a deleterious effect on protein structure/function; Variants in candidate genes are classified as variants of uncertain significance in accordance with ACMG guidelines (PMID: 25741868)

Labcorp Genetics (formerly Invitae), Labcorp
Classification: Uncertain significance for ANKRD1-related dilated cardiomyopathy. Last evaluated: 2025-06-12. Review status: criteria provided, single submitter. Criteria: Invitae Variant Classification Sherloc (09022015). Collection method: clinical testing. Allele origin: germline.
Comment: This sequence change replaces tyrosine, which is neutral and polar, with cysteine, which is neutral and slightly polar, at codon 274 of the ANKRD1 protein (p.Tyr274Cys). This variant is present in population databases (rs374486076, gnomAD 0.01%). This variant has not been reported in the literature in individuals affected with ANKRD1-related conditions. ClinVar contains an entry for this variant (Variation ID: 191602). Invitae Evidence Modeling of protein sequence and biophysical properties (such as structural, functional, and spatial information, amino acid conservation, physicochemical variation, residue mobility, and thermodynamic stability) indicates that this missense variant is not expected to disrupt ANKRD1 protein function with a negative predictive value of 80%. In summary, the available evidence is currently insufficient to determine the role of this variant in disease. Therefore, it has been classified as a Variant of Uncertain Significance.

PreventionGenetics, part of Exact Sciences
Classification: Uncertain significance for ANKRD1-related condition. Last evaluated: 2025-05-14. Review status: criteria provided, single submitter. Criteria: ACMG Guidelines, 2015. Collection method: clinical testing. Allele origin: germline.
Comment: The ANKRD1 c.821A>G variant is predicted to result in the amino acid substitution p.Tyr274Cys. To our knowledge, this variant has not been reported in the literature. This variant is reported in 0.012% of alleles in individuals of African descent in gnomAD. At this time, the clinical significance of this variant is uncertain due to the absence of conclusive functional and genetic evidence.

Ambry Genetics
Classification: Uncertain significance for Cardiovascular phenotype. Last evaluated: 2024-11-27. Review status: criteria provided, single submitter. Criteria: Ambry Variant Classification Scheme 2023. Collection method: clinical testing. Allele origin: germline.
Comment: The p.Y274C variant (also known as c.821A>G), located in coding exon 8 of the ANKRD1 gene, results from an A to G substitution at nucleotide position 821. The tyrosine at codon 274 is replaced by cysteine, an amino acid with highly dissimilar properties. This amino acid position is not well conserved in available vertebrate species. In addition, the in silico prediction for this alteration is inconclusive. The evidence for this gene-disease relationship is limited; therefore, the clinical significance of this alteration is unclear.

Illumina Laboratory Services, Illumina
Classification: Uncertain significance for Primary dilated cardiomyopathy. Last evaluated: 2018-01-13. Review status: criteria provided, single submitter. Criteria: ICSL Variant Classification Criteria 13 December 2019. Collection method: clinical testing. Allele origin: germline.

Biesecker Lab/Clinical Genomics Section, National Institutes of Health
Classification: Uncertain significance. Last evaluated: 2013-06-24. Review status: criteria provided, single submitter. Criteria: Ng et al. (Circ Cardiovasc Genet. 2013). Collection method: research. Allele origin: unknown. Observed: 1 variant allele. Study: ClinSeq.
Comment: The study set was not selected for affection status in relation to any cancer. Pathogenicity categories were based on literature curation. See Pubmed ID:23861362 for details.

Medical sequencing